The following is an entry in ClinVar:

NM_001077350.3(NPRL3):c.1609C>A (p.Arg537Ser)

Gene: NPRL3 (NPR3 like, GATOR1 complex subunit; minus strand). Cytogenetic location: 16p13.3.
Variant type: single nucleotide variant.
Coding change: c.1609C>A on transcript NM_001077350.3 (MANE Select); coding-DNA position 1609, C replaced by A.
Protein change: p.Arg537Ser; replaces arginine 537 with serine.
Molecular consequence: missense variant.
Genome position (GRCh38, 1-based): chr16:86,806, G>T on the plus strand (C>A on the coding strand, the complement: NPRL3 is on the minus strand). VCF-style: chr16-86806-G-T. GRCh37 (hg19) VCF-style: chr16-136805-G-T.
Other names: c.1072C>A, p.Arg358Ser (NM_001039476.3); c.1375C>A, p.Arg459Ser (NM_001243247.2); c.1534C>A, p.Arg512Ser (NM_001243248.2, NM_001243249.2); short protein forms R358S, R459S, R537S, R512S.
Identifiers: ClinVar variation 4744478 (VCV004744478.1).

ClinVar aggregate classification (germline): Uncertain significance (1 of 4 stars; one submission).

Conditions:
Epilepsy, familial focal, with variable foci 3 (FFEVF3). Identifiers: MedGen C4310708, MONDO:0014925, OMIM 617118.

gnomAD v4.1: 1 of 1,612,308 alleles (0.000062%); no homozygotes.

Submission:

Labcorp Genetics (formerly Invitae), Labcorp
Classification: Uncertain significance for Epilepsy, familial focal, with variable foci 3. Last evaluated: 2025-07-15. Review status: criteria provided, single submitter. Criteria: Invitae Variant Classification Sherloc (09022015). Collection method: clinical testing. Allele origin: germline.
Comment: This sequence change replaces arginine, which is basic and polar, with serine, which is neutral and polar, at codon 537 of the NPRL3 protein (p.Arg537Ser). This variant is not present in population databases (gnomAD no frequency). This variant has not been reported in the literature in individuals affected with NPRL3-related conditions. Invitae Evidence Modeling of protein sequence and biophysical properties (such as structural, functional, and spatial information, amino acid conservation, physicochemical variation, residue mobility, and thermodynamic stability) indicates that this missense variant is expected to disrupt NPRL3 protein function with a positive predictive value of 80%. In summary, the available evidence is currently insufficient to determine the role of this variant in disease. Therefore, it has been classified as a Variant of Uncertain Significance.